The following is an entry in ClinVar:

ClinVar aggregate classification (germline): Likely benign (1 of 4 stars; one submission).

Allele frequency attached by ClinVar (database versions not stated): TOPMed 0.00001; gnomAD 0.00002; ExAC 0.00003; gnomAD exomes 0.00004.

Submission:

CeGaT Center for Human Genetics Tuebingen
Classification: Likely benign. Last evaluated: 2022-09-01. Review status: criteria provided, single submitter. Criteria: CeGaT Center For Human Genetics Tuebingen Variant Classification Criteria Version 2. Collection method: clinical testing. Allele origin: germline. Affected: yes. Observed: 1 variant allele.
Comment: MUC2: BP4, BP7

NM_002457.5(MUC2):c.13671C>T (p.Ser4557=)

Gene: MUC2 (mucin 2, oligomeric mucus/gel-forming; plus strand). Cytogenetic location: 11p15.5.
Variant type: single nucleotide variant.
Coding change: c.13671C>T on transcript NM_002457.5 (MANE Select); coding-DNA position 13671, C replaced by T.
Protein change: p.Ser4557=; no amino-acid change (serine 4557 retained).
Molecular consequence: synonymous variant.
Genome position (GRCh38, 1-based): chr11:1,103,408, C>T. VCF-style: chr11-1103408-C-T. GRCh37 (hg19) VCF-style: chr11-1097316-C-T.
Identifiers: ClinVar variation 2641158 (VCV002641158.24), dbSNP rs769650604, ClinGen allele CA5800902.